The following is an entry in ClinVar:

ClinVar aggregate classification (germline): Uncertain significance (1 of 4 stars; one submission).

Submission:

Women's Health and Genetics/Laboratory Corporation of America, LabCorp
Classification: Uncertain significance. Last evaluated: 2025-06-06. Review status: criteria provided, single submitter. Criteria: LabCorp Variant Classification Summary - May 2015. Collection method: clinical testing. Allele origin: germline.
Comment: Variant summary: SHANK2 c.4939G>A (p.Asp1647Asn) results in a conservative amino acid change in the encoded protein sequence. Algorithms developed to predict the effect of missense changes on protein structure and function are either unavailable or do not agree on the potential impact of this missense change. The variant allele was found at a frequency of 2e-05 in 249826 control chromosomes (gnomAD). The available data on variant occurrences in the general population are insufficient to allow any conclusion about variant significance. To our knowledge, no occurrence of c.4939G>A in individuals affected with Autism, Susceptibility To, 17 and no experimental evidence demonstrating its impact on protein function have been reported. No submitters have cited clinical-significance assessments for this variant to ClinVar. Based on the evidence outlined above, the variant was classified as uncertain significance.

NM_012309.5(SHANK2):c.4939G>A (p.Asp1647Asn)

Gene: SHANK2 (SH3 and multiple ankyrin repeat domains 2; minus strand). Cytogenetic location: 11q13.3.
Variant type: single nucleotide variant.
Coding change: c.4939G>A on transcript NM_012309.5 (MANE Select); coding-DNA position 4939, G replaced by A.
Protein change: p.Asp1647Asn; replaces aspartic acid 1647 with asparagine.
Molecular consequence: missense variant.
Genome position (GRCh38, 1-based): chr11:70,485,354, C>T on the plus strand (G>A on the coding strand, the complement: SHANK2 is on the minus strand). VCF-style: chr11-70485354-C-T. GRCh37 (hg19) VCF-style: chr11-70331459-C-T.
Other names: c.3802G>A, p.Asp1268Asn (NM_001379226.1); c.3175G>A, p.Asp1059Asn (NM_133266.5); short protein forms D1059N, D1268N, D1647N.
Identifiers: ClinVar variation 3907318 (VCV003907318.1).